The following is an entry in ClinVar:

ClinVar aggregate classification (germline): Uncertain significance (1 of 4 stars; one submission).

Submission:

Labcorp Genetics (formerly Invitae), Labcorp
Classification: Uncertain significance. Last evaluated: 2024-08-18. Review status: criteria provided, single submitter. Criteria: Invitae Variant Classification Sherloc (09022015). Collection method: clinical testing. Allele origin: germline.
Comment: This variant occurs in a non-coding region of the ANKRD26 gene. It does not change the encoded amino acid sequence of the ANKRD26 protein. This variant is not present in population databases (gnomAD no frequency). This variant has not been reported in the literature in individuals affected with ANKRD26-related conditions. In summary, the available evidence is currently insufficient to determine the role of this variant in disease. Therefore, it has been classified as a Variant of Uncertain Significance.

NM_014915.3(ANKRD26):c.-71A>G

Gene: ANKRD26 (ankyrin repeat domain 26; minus strand). Cytogenetic location: 10p12.1.
Variant type: single nucleotide variant.
Coding change: c.-71A>G on transcript NM_014915.3 (MANE Select); 71 bases upstream of the start codon, A replaced by G.
Molecular consequence: 5 prime UTR variant.
Genome position (GRCh38, 1-based): chr10:27,100,397, T>C on the plus strand (A>G on the coding strand, the complement: ANKRD26 is on the minus strand). VCF-style: chr10-27100397-T-C. GRCh37 (hg19) VCF-style: chr10-27389326-T-C.
Other names: c.-71A>G (NM_001256053.2).
Identifiers: ClinVar variation 3662758 (VCV003662758.2).